The following is an entry in ClinVar:

ClinVar aggregate classification (germline): Benign/Likely benign. Review status: criteria provided, multiple submitters, no conflicts (2 of 4 stars). 11 submissions from 11 submitters: Benign (5); Likely benign (3). 3 of the submissions do not count toward it. Last evaluated 2026-07-01.

Conditions:
NOTCH3-related disorder. Also called: NOTCH3-related disorders; NOTCH3-related condition.
Myofibromatosis, infantile, 2. Identifiers: Orphanet 2591, MedGen C3809084, MONDO:0014122, OMIM 615293.
Lateral meningocele syndrome (LMNS). Also called: NOTCH3-Related Lateral Meningocele Syndrome. Identifiers: Orphanet 2789, MedGen C1851710, MONDO:0007537, OMIM 130720.
Cerebral arteriopathy, autosomal dominant, with subcortical infarcts and leukoencephalopathy, type 1 (CADASIL1). Also called: CASIL; Cerebral arteriopathy with subcortical infarcts and leukoencephalopathy 1; CADASIL 1; DEMENTIA, HEREDITARY MULTIINFARCT TYPE. Identifiers: Orphanet 136, MedGen C4551768, MONDO:0000914, OMIM 125310.

Allele frequency attached by ClinVar (database versions not stated): 1000 Genomes Project 30x 0.00094; 1000 Genomes Project 0.00100; TOPMed 0.00287; gnomAD 0.00290 and 0.00295; gnomAD exomes 0.00342; ESP Exome Variant Server 0.00392; ExAC 0.00407.
gnomAD v4.1: 7,281 of 1,613,688 alleles (0.45%); highest among the groups gnomAD compares: Non-Finnish European, 0.55%; 28 homozygotes.

Submissions (11):

CeGaT Center for Human Genetics Tuebingen
Classification: Likely benign. Last evaluated: 2026-07-01. Review status: criteria provided, single submitter. Criteria: CeGaT Center For Human Genetics Tuebingen Variant Classification Criteria Version 2. Collection method: clinical testing. Allele origin: germline. Affected: yes. Observed: 25 variant alleles.
Comment: NOTCH3: BP4, BS2

Labcorp Genetics (formerly Invitae), Labcorp
Classification: Benign. Last evaluated: 2026-01-19. Review status: criteria provided, single submitter. Criteria: Invitae Variant Classification Sherloc (09022015). Collection method: clinical testing. Allele origin: germline.

Athena Diagnostics
Classification: Benign. Last evaluated: 2025-11-06. Review status: criteria provided, single submitter. Criteria: Athena Diagnostics Criteria. Collection method: clinical testing. Allele origin: unknown.
Comment: The frequency of this variant in the general population is higher than would generally be expected for pathogenic variants in this gene.

Mayo Clinic Laboratories, Mayo Clinic
Classification: Benign. Last evaluated: 2025-04-08. Review status: criteria provided, single submitter. Criteria: ACMG Guidelines, 2015. Collection method: clinical testing. Allele origin: germline. Observed: 21 variant alleles.
Comment: BS1, BS2, BP4, BP7

ARUP Laboratories, Molecular Genetics and Genomics, ARUP Laboratories
Classification: Benign. Last evaluated: 2024-12-02. Review status: criteria provided, single submitter. Criteria: ARUP Molecular Germline Variant Investigation Process 2024. Collection method: clinical testing. Allele origin: germline.

Blueprint Genetics
Classification: Likely benign. Last evaluated: 2024-11-28. Review status: criteria provided, single submitter. Criteria: ACMG Guidelines, 2015. Collection method: clinical testing. Allele origin: germline.

Fulgent Genetics
Classification: Likely benign for Cerebral arteriopathy, autosomal dominant, with subcortical infarcts and leukoencephalopathy, type 1; Lateral meningocele syndrome; Myofibromatosis, infantile, 2. Last evaluated: 2021-09-19. Review status: criteria provided, single submitter. Criteria: ACMG Guidelines, 2015. Collection method: clinical testing. Allele origin: unknown.

Illumina Laboratory Services, Illumina
Classification: Benign for Cerebral arteriopathy, autosomal dominant, with subcortical infarcts and leukoencephalopathy, type 1. Last evaluated: 2018-01-12. Review status: criteria provided, single submitter. Criteria: ICSL Variant Classification Criteria 13 December 2019. Collection method: clinical testing. Allele origin: germline.
Comment: This variant was observed in the ICSL laboratory as part of a predisposition screen in an ostensibly healthy population. It had not been previously curated by ICSL or reported in the Human Gene Mutation Database (HGMD: prior to June 1st, 2018), and was therefore a candidate for classification through an automated scoring system. Utilizing variant allele frequency, disease prevalence and penetrance estimates, and inheritance mode, an automated score was calculated to assess if this variant is too frequent to cause the disease. Based on the score and internal cut-off values, a variant classified as benign is not then subjected to further curation. The score for this variant resulted in a classification of benign for this disease.

PreventionGenetics, part of Exact Sciences
Classification: Benign for NOTCH3-related condition. Last evaluated: 2021-08-24. Review status: no assertion criteria provided. Collection method: clinical testing. Allele origin: germline. Not counted in ClinVar's aggregate classification.
Comment: This variant is classified as benign based on ACMG/AMP sequence variant interpretation guidelines (Richards et al. 2015 PMID: 25741868, with internal and published modifications).

Clinical Genetics DNA and cytogenetics Diagnostics Lab, Erasmus MC, Erasmus Medical Center
Classification: Likely benign. Review status: no assertion criteria provided. Collection method: clinical testing. Allele origin: germline. Affected: yes. Study: VKGL Data-share Consensus. Not counted in ClinVar's aggregate classification.

Laboratory of Diagnostic Genome Analysis, Leiden University Medical Center (LUMC)
Classification: Likely benign. Review status: no assertion criteria provided. Collection method: clinical testing. Allele origin: germline. Affected: yes. Study: VKGL Data-share Consensus. Not counted in ClinVar's aggregate classification.

Literature cited by the submitters: PubMed 19006080 (cited by Athena Diagnostics); PubMed 21616505 (cited by Athena Diagnostics).

NM_000435.3(NOTCH3):c.2411-4C>G

Gene: NOTCH3 (notch receptor 3; minus strand). Cytogenetic location: 19p13.12.
Variant type: single nucleotide variant.
Coding change: c.2411-4C>G on transcript NM_000435.3 (MANE Select); 4 bases into the intron before coding-DNA position 2411, C replaced by G.
Molecular consequence: intron variant.
Genome position (GRCh38, 1-based): chr19:15,184,454, G>C on the plus strand (C>G on the coding strand, the complement: NOTCH3 is on the minus strand). VCF-style: chr19-15184454-G-C. GRCh37 (hg19) VCF-style: chr19-15295265-G-C.
Other names: p.?.
Identifiers: ClinVar variation 256128 (VCV000256128.52), dbSNP rs190177286, ClinGen allele CA9263366.